The following is an entry in ClinVar:

ClinVar aggregate classification (germline): Uncertain significance (0 of 4 stars; one submission).

Conditions:
TTN-related disorder. Also called: TTN-related condition; TTN-related disease; TTN-related disorders.

gnomAD v4.1: 2 of 1,612,444 alleles (0.00012%); highest among the groups gnomAD compares: Non-Finnish European, 0.00017%; no homozygotes.

Submission:

PreventionGenetics, part of Exact Sciences
Classification: Uncertain significance for TTN-related condition. Last evaluated: 2024-04-03. Review status: no assertion criteria provided. Collection method: clinical testing. Allele origin: germline.
Comment: The TTN c.51836T>C variant is predicted to result in the amino acid substitution p.Ile17279Thr. To our knowledge, this variant has not been reported in the literature or in a large population database, indicating this variant is rare. At this time, the clinical significance of this variant is uncertain due to the absence of conclusive functional and genetic evidence.

NM_001267550.2(TTN):c.51836T>C (p.Ile17279Thr)

Genes: TTN (titin; minus strand), TTN-AS1 (TTN antisense RNA 1; plus strand). Cytogenetic location: 2q31.2.
Variant type: single nucleotide variant.
Coding change: c.51836T>C on transcript NM_001267550.2 (MANE Select); coding-DNA position 51836, T replaced by C.
Protein change: p.Ile17279Thr; replaces isoleucine 17279 with threonine.
Molecular consequence: missense variant.
Genome position (GRCh38, 1-based): chr2:178,609,474, A>G on the plus strand (T>C on the coding strand, the complement: TTN is on the minus strand). VCF-style: chr2-178609474-A-G. GRCh37 (hg19) VCF-style: chr2-179474201-A-G.
Other names: c.46913T>C, p.Ile15638Thr (NM_001256850.1); c.24641T>C, p.Ile8214Thr (NM_003319.4); c.44132T>C, p.Ile14711Thr (NM_133378.4); c.25016T>C, p.Ile8339Thr (NM_133432.3); c.25217T>C, p.Ile8406Thr (NM_133437.4); short protein forms I14711T, I15638T, I17279T, I8214T, I8339T, I8406T.
Identifiers: ClinVar variation 3356464 (VCV003356464.1).
Genomic context (GRCh38, chr2:178,609,474, plus strand): 5'-GGTGCTGCACGCTTCTTAATTTCCTCTGGTACAATAACATTTTCATCCTTTATCCATGTA[A>G]TAGTTGGGTAAGGTGATCCAGAAATACTTGCATCAAGTGCTATTTCATCACCTCGTTTCA-3'
Protein context (NP_001254479.2, residues 17269-17289): ASISGSPYPT[Ile17279Thr]TWIKDENVIV